The following is an entry in ClinVar:

NM_007103.4(NDUFV1):c.289_298del (p.Leu97fs)

Gene: NDUFV1 (NADH:ubiquinone oxidoreductase core subunit V1; plus strand). Cytogenetic location: 11q13.2.
Variant type: Deletion.
Coding change: c.289_298del on transcript NM_007103.4 (MANE Select); coding-DNA positions 289 to 298, 10 bases deleted (CTCAAGTGGA; older notation c.289_298delCTCAAGTGGA).
Protein change: p.Leu97fs; shifts the reading frame from leucine 97.
Molecular consequence: frameshift variant.
Genome position (GRCh38, 1-based): chr11:67,608,685-67,608,694, CTCAAGTGGA deleted. VCF-style (leftmost placement, unchanged base first): chr11-67608684-CCTCAAGTGGA-C. GRCh37 (hg19) VCF-style: chr11-67376155-CCTCAAGTGGA-C.
Other names: c.262_271del, p.Leu88fs (NM_001166102.2); c.289_298del (NM_007103.3); short protein forms L88fs, L97fs.
Identifiers: ClinVar variation 2900118 (VCV002900118.4), dbSNP rs763976244, ClinGen allele CA224178998.

ClinVar aggregate classification (germline): Pathogenic/Likely pathogenic. Review status: criteria provided, multiple submitters, no conflicts (2 of 4 stars). 2 submissions from 2 submitters: Pathogenic (1); Likely pathogenic (1). Last evaluated 2026-04-04.

Allele frequency attached by ClinVar (database versions not stated): gnomAD 0.00002; gnomAD exomes 0.00003; TOPMed 0.00003.

Submissions (2):

GeneDx
Classification: Likely pathogenic. Last evaluated: 2026-04-04. Review status: criteria provided, single submitter. Criteria: GeneDx Variant Classification Process June 2021. Collection method: clinical testing. Allele origin: germline.
Comment: Frameshift variant predicted to result in protein truncation or nonsense mediated decay in a gene for which loss of function is a known mechanism of disease; Not observed at significant frequency in large population cohorts (gnomAD); Has not been previously published as pathogenic or benign to our knowledge

Labcorp Genetics (formerly Invitae), Labcorp
Classification: Pathogenic. Last evaluated: 2023-11-06. Review status: criteria provided, single submitter. Criteria: Invitae Variant Classification Sherloc (09022015). Collection method: clinical testing. Allele origin: germline.
Comment: This sequence change creates a premature translational stop signal (p.Leu97Alafs*3) in the NDUFV1 gene. It is expected to result in an absent or disrupted protein product. Loss-of-function variants in NDUFV1 are known to be pathogenic (PMID: 10080174, 11349233). This variant is present in population databases (rs763976244, gnomAD 0.007%). This variant has not been reported in the literature in individuals affected with NDUFV1-related conditions. For these reasons, this variant has been classified as Pathogenic.

Literature cited by the submitters: PubMed 10080174 (cited by Labcorp Genetics (formerly Invitae), Labcorp); PubMed 11349233 (cited by Labcorp Genetics (formerly Invitae), Labcorp).